The following is an entry in ClinVar:

NM_015631.6(TCTN3):c.1591-12T>C

Gene: TCTN3 (tectonic family member 3; minus strand). Cytogenetic location: 10q24.1.
Variant type: single nucleotide variant.
Coding change: c.1591-12T>C on transcript NM_015631.6 (MANE Select); 12 bases into the intron before coding-DNA position 1591, T replaced by C.
Molecular consequence: intron variant.
Genome position (GRCh38, 1-based): chr10:95,664,312, A>G on the plus strand (T>C on the coding strand, the complement: TCTN3 is on the minus strand). VCF-style: chr10-95664312-A-G. GRCh37 (hg19) VCF-style: chr10-97424069-A-G.
Other names: c.1147-12T>C (NM_001143973.2).
Identifiers: ClinVar variation 515182 (VCV000515182.9), dbSNP rs373643964, ClinGen allele CA5620772.

ClinVar aggregate classification (germline): Likely benign. Review status: criteria provided, multiple submitters, no conflicts (2 of 4 stars). 3 submissions from 3 submitters: Likely benign (3). Last evaluated 2026-01-26.

Conditions:
Orofacial-digital syndrome IV (OFD4). Also called: OFD SYNDROME WITH TIBIAL DEFECTS; OFD SYNDROME, BARAITSER-BURN TYPE; OFDS IV; ORAL-FACIAL-DIGITAL SYNDROME, TYPE IV; BARAITSER-BURN SYNDROME; MOHR-MAJEWSKI SYNDROME. Identifiers: Orphanet 2753, MedGen C0406727, MONDO:0009794, OMIM 258860.
Joubert syndrome 18 (JBTS18). Identifiers: Orphanet 2754, MedGen C3553758, MONDO:0013896, OMIM 614815.

Allele frequency attached by ClinVar (database versions not stated): gnomAD 0.00004; gnomAD exomes 0.00004 and 0.00005; ExAC 0.00005; TOPMed 0.00005; ESP Exome Variant Server 0.00008.
gnomAD v4.1: 68 of 1,612,586 alleles (0.0042%); highest among the groups gnomAD compares: Middle Eastern, 0.016%; no homozygotes.

Submissions (3):

Labcorp Genetics (formerly Invitae), Labcorp
Classification: Likely benign for Joubert syndrome 18; Orofacial-digital syndrome IV. Last evaluated: 2026-01-26. Review status: criteria provided, single submitter. Criteria: Invitae Variant Classification Sherloc (09022015). Collection method: clinical testing. Allele origin: germline.

Blueprint Genetics
Classification: Likely benign. Last evaluated: 2024-10-11. Review status: criteria provided, single submitter. Criteria: ACMG Guidelines, 2015. Collection method: clinical testing. Allele origin: germline.

GeneDx
Classification: Likely benign. Last evaluated: 2018-02-05. Review status: criteria provided, single submitter. Criteria: GeneDx Variant Classification (06012015). Collection method: clinical testing. Allele origin: germline. Affected: yes.
Comment: This variant is considered likely benign or benign based on one or more of the following criteria: it is a conservative change, it occurs at a poorly conserved position in the protein, it is predicted to be benign by multiple in silico algorithms, and/or has population frequency not consistent with disease.